The following is an entry in ClinVar:

NM_000465.4(BARD1):c.1087T>A (p.Ser363Thr)

Gene: BARD1 (BRCA1 associated RING domain 1; minus strand). Cytogenetic location: 2q35.
Variant type: single nucleotide variant.
Coding change: c.1087T>A on transcript NM_000465.4 (MANE Select); coding-DNA position 1087, T replaced by A.
Protein change: p.Ser363Thr; replaces serine 363 with threonine.
Molecular consequence: missense variant. On other transcripts: non-coding transcript variant (2), intron variant (3).
Genome position (GRCh38, 1-based): chr2:214,780,787, A>T on the plus strand (T>A on the coding strand, the complement: BARD1 is on the minus strand). VCF-style: chr2-214780787-A-T. GRCh37 (hg19) VCF-style: chr2-215645511-A-T.
Other names: c.1030T>A, p.Ser344Thr (NM_001282543.2); c.159-28232T>A (NM_001282548.2); c.215+16274T>A (NM_001282545.2); c.364+11510T>A (NM_001282549.2); short protein forms S363T, S344T.
Identifiers: ClinVar variation 421217 (VCV000421217.18), dbSNP rs1064794985, ClinGen allele CA16617446.

ClinVar aggregate classification (germline): Uncertain significance. Review status: criteria provided, multiple submitters, no conflicts (2 of 4 stars). 4 submissions from 4 submitters: Uncertain significance (4). Last evaluated 2025-08-31.

Conditions:
Hereditary cancer-predisposing syndrome. Also called: Hereditary neoplastic syndrome; Tumor predisposition; Neoplastic Syndromes, Hereditary; Hereditary Cancer Syndrome. Identifiers: Orphanet 140162, MedGen C0027672, MeSH D009386, MONDO:0015356.
Familial cancer of breast. Also called: Hereditary breast cancer; BREAST CANCER, FAMILIAL; hereditary breast carcinoma. Identifiers: Orphanet 227535, MedGen C0346153, MONDO:0016419, OMIM 114480. Disease mechanism: loss of function.

Submissions (4):

Labcorp Genetics (formerly Invitae), Labcorp
Classification: Uncertain significance for Familial cancer of breast. Last evaluated: 2025-08-31. Review status: criteria provided, single submitter. Criteria: Invitae Variant Classification Sherloc (09022015). Collection method: clinical testing. Allele origin: germline.
Comment: This sequence change replaces serine, which is neutral and polar, with threonine, which is neutral and polar, at codon 363 of the BARD1 protein (p.Ser363Thr). This variant is not present in population databases (gnomAD no frequency). This variant has not been reported in the literature in individuals affected with BARD1-related conditions. ClinVar contains an entry for this variant (Variation ID: 421217). An algorithm developed to predict the effect of missense changes on protein structure and function (PolyPhen-2) suggests that this variant is likely to be tolerated. In summary, the available evidence is currently insufficient to determine the role of this variant in disease. Therefore, it has been classified as a Variant of Uncertain Significance.

Ambry Genetics
Classification: Uncertain significance for Hereditary cancer-predisposing syndrome. Last evaluated: 2024-11-14. Review status: criteria provided, single submitter. Criteria: Ambry Variant Classification Scheme 2023. Collection method: clinical testing. Allele origin: germline.
Comment: The p.S363T variant (also known as c.1087T>A), located in coding exon 4 of the BARD1 gene, results from a T to A substitution at nucleotide position 1087. The serine at codon 363 is replaced by threonine, an amino acid with similar properties. This amino acid position is well conserved in available vertebrate species. In addition, this alteration is predicted to be tolerated by in silico analysis. Since supporting evidence is limited at this time, the clinical significance of this alteration remains unclear.

Color Diagnostics, LLC DBA Color Health
Classification: Uncertain significance for Hereditary cancer-predisposing syndrome. Last evaluated: 2024-01-05. Review status: criteria provided, single submitter. Criteria: ACMG Guidelines, 2015. Collection method: clinical testing. Allele origin: germline.
Comment: This missense variant replaces serine with threonine at codon 363 of the BARD1 protein. Computational prediction suggests that this variant may not impact protein structure and function. To our knowledge, functional studies have not been reported for this variant. This variant has not been reported in individuals affected with BARD1-related disorders in the literature. This variant has not been identified in the general population by the Genome Aggregation Database (gnomAD). The available evidence is insufficient to determine the role of this variant in disease conclusively. Therefore, this variant is classified as a Variant of Uncertain Significance.

GeneDx
Classification: Uncertain significance. Last evaluated: 2016-05-13. Review status: criteria provided, single submitter. Criteria: GeneDx Variant Classification (06012015). Collection method: clinical testing. Allele origin: germline. Affected: yes.
Comment: This variant is denoted BARD1 c.1087T>A at the cDNA level, p.Ser363Thr (S363T) at the protein level, and results in the change of a Serine to a Threonine (TCT>ACT). This variant has not, to our knowledge, been published in the literature as pathogenic or benign. BARD1 Ser363Thr was not observed in approximately 6,500 individuals of European and African American ancestry in the NHLBI Exome Sequencing Project, suggesting it is not a common benign variant in these populations. Since Serine and Threonine share similar properties, this is considered a conservative amino acid substitution. BARD1 Ser363Thr occurs at a position that is not conserved and is not located in a known functional domain (UniProt). In silico analyses predict that this variant is unlikely to alter protein structure or function. Based on currently available evidence, it is unclear whether BARD1 Ser363Thr is a pathogenic or benign variant. We consider it to be a variant of uncertain significance.